The following is an entry in ClinVar:

ClinVar aggregate classification (germline): Pathogenic (3 of 4 stars; one submission).

Conditions:
Breast-ovarian cancer, familial, susceptibility to, 1 (BROVCA1). Also called: BRCA1 Hereditary Breast and Ovarian Cancer; OVARIAN CANCER, SUSCEPTIBILITY TO. Identifiers: Orphanet 145, MedGen C2676676, MONDO:0011450, OMIM 604370. Disease mechanism: loss of function.

Submission:

Evidence-based Network for the Interpretation of Germline Mutant Alleles (ENIGMA)
Classification: Pathogenic for Breast-ovarian cancer, familial, susceptibility to, 1. Last evaluated: 2017-12-15. Review status: reviewed by expert panel. Criteria: ENIGMA BRCA1/2 Classification Criteria (2017-06-29). Collection method: curation. Allele origin: germline. Study: ENIGMA.
Comment: Variant allele predicted to encode a truncated non-functional protein.

NM_007294.4(BRCA1):c.1726_1727insG (p.Lys576fs)

Gene: BRCA1 (BRCA1 DNA repair associated; minus strand). Cytogenetic location: 17q21.31.
Variant type: Insertion.
Coding change: c.1726_1727insG on transcript NM_007294.4 (MANE Select); coding-DNA positions 1726 to 1727, G inserted.
Protein change: p.Lys576fs; shifts the reading frame from lysine 576.
Molecular consequence: frameshift variant. On other transcripts: intron variant (137).
Genome position: GRCh38 VCF-style: chr17-43093804-T-TC. GRCh37 (hg19) VCF-style: chr17-41245821-T-TC.
Other names: c.1513_1514insG, p.Lys505fs (NM_001407571.1, NM_001407899.1, NM_001407853.1 and 9 more transcripts); c.1726_1727insG, p.Lys576fs (NM_001407581.1, NM_001407582.1, NM_001407583.1 and 30 more transcripts); c.1723_1724insG, p.Lys575fs (NM_001407587.1, NM_001407590.1, NM_001407591.1 and 22 more transcripts); c.1648_1649insG, p.Lys550fs (NM_001407656.1, NM_001407657.1, NM_001407658.1 and 4 more transcripts); c.1645_1646insG, p.Lys549fs (NM_001407659.1, NM_001407660.1, NM_001407661.1 and 1 more transcripts); c.1603_1604insG, p.Lys535fs (NM_001407674.1, NM_001407675.1, NM_001407676.1 and 19 more transcripts); c.1585_1586insG, p.Lys529fs (NM_001407692.1, NM_001407694.1, NM_001407695.1 and 29 more transcripts); c.1582_1583insG, p.Lys528fs (NM_001407740.1, NM_001407741.1, NM_001407742.1 and 20 more transcripts); and 40 more; short protein forms K576fs, K529fs, K487fs, K506fs, K534fs, K280fs, K464fs, K508fs.
Identifiers: ClinVar variation 548225 (VCV000548225.2), dbSNP rs1555591326, ClinGen allele CA658824514.